The following is an entry in ClinVar:

ClinVar aggregate classification (germline): Uncertain significance. Review status: criteria provided, multiple submitters, no conflicts (2 of 4 stars). 3 submissions from 3 submitters: Uncertain significance (3). Last evaluated 2023-11-02.

Conditions:
Neuromuscular disease caused by qualitative or quantitative defects of dysferlin. Also called: Dysferlinopathy; Qualitative or quantitative defects of dysferlin. Identifiers: Orphanet 207073, MedGen C2931687, MONDO:0016145.

Allele frequency attached by ClinVar (database versions not stated): ExAC below 0.00001; gnomAD exomes below 0.00001 and 0.00001; TOPMed below 0.00001.
gnomAD v4.1: 2 of 1,610,748 alleles (0.00012%); highest among the groups gnomAD compares: Admixed American, 0.0017%; no homozygotes.

Submissions (3):

Labcorp Genetics (formerly Invitae), Labcorp
Classification: Uncertain significance for Neuromuscular disease caused by qualitative or quantitative defects of dysferlin. Last evaluated: 2023-11-02. Review status: criteria provided, single submitter. Criteria: Invitae Variant Classification Sherloc (09022015). Collection method: clinical testing. Allele origin: germline.
Comment: This sequence change replaces aspartic acid, which is acidic and polar, with glycine, which is neutral and non-polar, at codon 1826 of the DYSF protein (p.Asp1826Gly). This variant is present in population databases (rs773950181, gnomAD 0.003%). This variant has not been reported in the literature in individuals affected with DYSF-related conditions. ClinVar contains an entry for this variant (Variation ID: 288579). Advanced modeling of protein sequence and biophysical properties (such as structural, functional, and spatial information, amino acid conservation, physicochemical variation, residue mobility, and thermodynamic stability) performed at Invitae indicates that this missense variant is not expected to disrupt DYSF protein function with a negative predictive value of 80%. Algorithms developed to predict the effect of sequence changes on RNA splicing suggest that this variant may disrupt the consensus splice site. In summary, the available evidence is currently insufficient to determine the role of this variant in disease. Therefore, it has been classified as a Variant of Uncertain Significance.

Revvity Omics, Revvity
Classification: Uncertain significance. Last evaluated: 2023-10-26. Review status: criteria provided, single submitter. Criteria: ACMG Guidelines, 2015. Collection method: clinical testing. Allele origin: germline.

Eurofins Ntd Llc (ga)
Classification: Uncertain significance. Last evaluated: 2016-06-13. Review status: criteria provided, single submitter. Criteria: EGL Classification Definitions 2015. Collection method: clinical testing. Allele origin: germline. Observed: 1 variant allele, 1 homozygote.

NM_001130987.2(DYSF):c.5594A>G (p.Asp1865Gly)

Gene: DYSF (dysferlin; plus strand). Cytogenetic location: 2p13.2.
Variant type: single nucleotide variant.
Coding change: c.5594A>G on transcript NM_001130987.2 (MANE Select); coding-DNA position 5594, A replaced by G.
Protein change: p.Asp1865Gly; replaces aspartic acid 1865 with glycine.
Molecular consequence: missense variant.
Genome position (GRCh38, 1-based): chr2:71,669,159, A>G. VCF-style: chr2-71669159-A-G. GRCh37 (hg19) VCF-style: chr2-71896289-A-G.
Other names: c.5480A>G, p.Asp1827Gly (NM_001130455.2); c.5435A>G, p.Asp1812Gly (NM_001130976.2); c.5498A>G, p.Asp1833Gly (NM_001130977.2); c.5540A>G, p.Asp1847Gly (NM_001130978.2); c.5570A>G, p.Asp1857Gly (NM_001130979.2); c.5528A>G, p.Asp1843Gly (NM_001130980.2); c.5591A>G, p.Asp1864Gly (NM_001130981.2); c.5573A>G, p.Asp1858Gly (NM_001130982.2); and 5 more; short protein forms D1865G, D1826G, D1834G, D1847G, D1812G, D1813G, D1844G, D1857G.
Identifiers: ClinVar variation 288579 (VCV000288579.8), dbSNP rs773950181, ClinGen allele CA1707439.